The following is an entry in ClinVar:

ClinVar aggregate classification (germline): Uncertain significance. Review status: criteria provided, multiple submitters, no conflicts (2 of 4 stars). 6 submissions from 6 submitters: Uncertain significance (5). 1 of the submissions does not count toward it. Last evaluated 2026-09-01.

Conditions:
Nephronophthisis. Also called: Juvenile Nephronophthisis. Identifiers: Orphanet 655, MedGen C0687120, MONDO:0019005, HP:0000090.
NPHP4-related disorder. Also called: NPHP4-related disorders; NPHP4-related condition. Identifiers: MedGen CN239384.
Inborn genetic diseases. Identifiers: MedGen C0950123, MeSH D030342.
Senior-Loken syndrome 4 (SLSN4). Identifiers: Orphanet 3156, MedGen C1846979, MONDO:0011756, OMIM 606996.
Nephronophthisis 4 (NPHP4). Also called: NEPHRONOPHTHISIS 4, JUVENILE. Identifiers: Orphanet 655, MedGen C1847013, MONDO:0011752, OMIM 606966.

Allele frequency attached by ClinVar (database versions not stated): gnomAD exomes 0.00007; TOPMed 0.00009; ExAC 0.00017; gnomAD 0.00006.
gnomAD v4.1: 134 of 1,588,298 alleles (0.0084%); highest among the groups gnomAD compares: Admixed American, 0.026%; no homozygotes.

Submissions (6):

CeGaT Center for Human Genetics Tuebingen
Classification: Uncertain significance. Last evaluated: 2026-09-01. Review status: criteria provided, single submitter. Criteria: CeGaT Center For Human Genetics Tuebingen Variant Classification Criteria Version 2. Collection method: clinical testing. Allele origin: germline. Affected: yes. Observed: 1 variant allele.
Comment: NPHP4: PM2, BP4

Ambry Genetics
Classification: Uncertain significance for Inborn genetic diseases. Last evaluated: 2025-07-02. Review status: criteria provided, single submitter. Criteria: Ambry Variant Classification Scheme 2023. Collection method: clinical testing. Allele origin: germline.

Labcorp Genetics (formerly Invitae), Labcorp
Classification: Uncertain significance for Nephronophthisis. Last evaluated: 2022-11-01. Review status: criteria provided, single submitter. Criteria: Invitae Variant Classification Sherloc (09022015). Collection method: clinical testing. Allele origin: germline.
Comment: This sequence change replaces proline, which is neutral and non-polar, with leucine, which is neutral and non-polar, at codon 514 of the NPHP4 protein (p.Pro514Leu). This variant is present in population databases (rs367694436, gnomAD 0.02%). This variant has not been reported in the literature in individuals affected with NPHP4-related conditions. ClinVar contains an entry for this variant (Variation ID: 596495). Advanced modeling of protein sequence and biophysical properties (such as structural, functional, and spatial information, amino acid conservation, physicochemical variation, residue mobility, and thermodynamic stability) performed at Invitae indicates that this missense variant is not expected to disrupt NPHP4 protein function. In summary, the available evidence is currently insufficient to determine the role of this variant in disease. Therefore, it has been classified as a Variant of Uncertain Significance.

Fulgent Genetics
Classification: Uncertain significance for Nephronophthisis 4; Senior-Loken syndrome 4. Last evaluated: 2022-05-03. Review status: criteria provided, single submitter. Criteria: ACMG Guidelines, 2015. Collection method: clinical testing. Allele origin: unknown.

Eurofins Ntd Llc (ga)
Classification: Uncertain significance. Last evaluated: 2018-04-03. Review status: criteria provided, single submitter. Criteria: EGL ClinVar v180209 classification definitions. Collection method: clinical testing. Allele origin: germline. Observed: 2 variant alleles, 2 heterozygotes.

PreventionGenetics, part of Exact Sciences
Classification: Uncertain significance for NPHP4-related condition. Last evaluated: 2024-08-22. Review status: no assertion criteria provided. Collection method: clinical testing. Allele origin: germline. Not counted in ClinVar's aggregate classification.
Comment: The NPHP4 c.1541C>T variant is predicted to result in the amino acid substitution p.Pro514Leu. To our knowledge, this variant has not been reported in the literature. This variant is reported in 0.023% of alleles in individuals of Latino descent in gnomAD. At this time, the clinical significance of this variant is uncertain due to the absence of conclusive functional and genetic evidence.

NM_015102.5(NPHP4):c.1541C>T (p.Pro514Leu)

Gene: NPHP4 (nephrocystin 4; minus strand). Cytogenetic location: 1p36.31.
Variant type: single nucleotide variant.
Coding change: c.1541C>T on transcript NM_015102.5 (MANE Select); coding-DNA position 1541, C replaced by T.
Protein change: p.Pro514Leu; replaces proline 514 with leucine.
Molecular consequence: missense variant. On other transcripts: non-coding transcript variant (1), intron variant (2).
Genome position (GRCh38, 1-based): chr1:5,907,185, G>A on the plus strand (C>T on the coding strand, the complement: NPHP4 is on the minus strand). VCF-style: chr1-5907185-G-A. GRCh37 (hg19) VCF-style: chr1-5967245-G-A.
Other names: c.76-1402C>T (NM_001291594.2); c.76-1405C>T (NM_001291593.2); c.1541C>T (NM_015102.3); short protein forms P514L.
Identifiers: ClinVar variation 596495 (VCV000596495.13), dbSNP rs367694436, ClinGen allele CA554449.